The following is an entry in ClinVar:

NM_080425.4(GNAS):c.1124C>T (p.Ser375Phe)

Gene: GNAS (GNAS complex locus; plus strand). Cytogenetic location: 20q13.32.
Variant type: single nucleotide variant.
Coding change: c.1124C>T on transcript NM_080425.4 (MANE Plus Clinical); coding-DNA position 1124, C replaced by T.
Protein change: p.Ser375Phe; replaces serine 375 with phenylalanine.
Molecular consequence: missense variant. On other transcripts: intron variant (3).
Genome position (GRCh38, 1-based): chr20:58,854,389, C>T. VCF-style: chr20-58854389-C-T. GRCh37 (hg19) VCF-style: chr20-57429444-C-T.
Other names: c.937C>T, p.Leu313Phe (NM_001077490.3, NM_001309883.1); c.1124C>T, p.Ser375Phe (NM_001410913.1); c.*42+13503C>T (NM_016592.5); c.43+13503C>T (NM_001410912.1); c.-39+12514C>T (NM_001309861.2); short protein forms L313F, S375F.
Identifiers: ClinVar variation 4980890 (VCV004980890.1).

ClinVar aggregate classification (germline): Uncertain significance (1 of 4 stars; one submission).

Conditions:
GNAS-related disorder. Identifiers: MedGen CN380105.

gnomAD v4.1: 27 of 1,566,296 alleles (0.0017%); highest among the groups gnomAD compares: East Asian, 0.0024%; no homozygotes.

Submission:

PreventionGenetics, part of Exact Sciences
Classification: Uncertain significance for GNAS-related condition. Last evaluated: 2025-05-21. Review status: criteria provided, single submitter. Criteria: ACMG Guidelines, 2015. Collection method: clinical testing. Allele origin: germline.
Comment: The GNAS c.1124C>T variant is predicted to result in the amino acid substitution p.Ser375Phe. This variant is located upstream of the more commonly reported transcript, NM_000516.5, and is also referred to as c.-37338C>T. To our knowledge, this variant has not been reported in the literature. This variant is reported in 0.0085% of alleles in individuals of East Asian descent in gnomAD. At this time, the clinical significance of this variant is uncertain due to the absence of conclusive functional and genetic evidence.